The following is an entry in ClinVar:

ClinVar aggregate classification (germline): Uncertain significance. Review status: criteria provided, multiple submitters, no conflicts (2 of 4 stars). 2 submissions from 2 submitters: Uncertain significance (2). Last evaluated 2026-01-17.

Conditions:
Inborn genetic diseases. Identifiers: MedGen C0950123, MeSH D030342.

Allele frequency attached by ClinVar (database versions not stated): gnomAD 0.00004 and 0.00005; TOPMed 0.00015.
gnomAD v4.1: 14 of 1,607,032 alleles (0.00087%); highest among the groups gnomAD compares: Admixed American, 0.022%; no homozygotes.

Submissions (2):

Labcorp Genetics (formerly Invitae), Labcorp
Classification: Uncertain significance. Last evaluated: 2026-01-17. Review status: criteria provided, single submitter. Criteria: Invitae Variant Classification Sherloc (09022015). Collection method: clinical testing. Allele origin: germline.
Comment: This sequence change replaces glutamic acid, which is acidic and polar, with aspartic acid, which is acidic and polar, at codon 83 of the TBX6 protein (p.Glu83Asp). This variant is present in population databases (rs748483132, gnomAD 0.003%). This variant has not been reported in the literature in individuals affected with TBX6-related conditions. ClinVar contains an entry for this variant (Variation ID: 1348155). Invitae Evidence Modeling of protein sequence and biophysical properties (such as structural, functional, and spatial information, amino acid conservation, physicochemical variation, residue mobility, and thermodynamic stability) indicates that this missense variant is not expected to disrupt TBX6 protein function with a negative predictive value of 80%. In summary, the available evidence is currently insufficient to determine the role of this variant in disease. Therefore, it has been classified as a Variant of Uncertain Significance.

Ambry Genetics
Classification: Uncertain significance for Inborn genetic diseases. Last evaluated: 2024-01-09. Review status: criteria provided, single submitter. Criteria: Ambry Variant Classification Scheme 2023. Collection method: clinical testing. Allele origin: germline.

NM_004608.4(TBX6):c.249G>T (p.Glu83Asp)

Gene: TBX6 (T-box transcription factor 6; minus strand). Cytogenetic location: 16p11.2.
Variant type: single nucleotide variant.
Coding change: c.249G>T on transcript NM_004608.4 (MANE Select); coding-DNA position 249, G replaced by T.
Protein change: p.Glu83Asp; replaces glutamic acid 83 with aspartic acid.
Molecular consequence: missense variant.
Genome position (GRCh38, 1-based): chr16:30,090,862, C>A on the plus strand (G>T on the coding strand, the complement: TBX6 is on the minus strand). VCF-style: chr16-30090862-C-A. GRCh37 (hg19) VCF-style: chr16-30102183-C-A.
Other names: c.249G>T (NM_004608.3); short protein forms E83D.
Identifiers: ClinVar variation 1348155 (VCV001348155.9), dbSNP rs748483132, ClinGen allele CA8001966.